The following is an entry in ClinVar:

NM_203447.4(DOCK8):c.663C>A (p.Asp221Glu)

Gene: DOCK8 (dedicator of cytokinesis 8; plus strand). Cytogenetic location: 9p24.3.
Variant type: single nucleotide variant.
Coding change: c.663C>A on transcript NM_203447.4 (MANE Select); coding-DNA position 663, C replaced by A.
Protein change: p.Asp221Glu; replaces aspartic acid 221 with glutamic acid.
Molecular consequence: missense variant.
Genome position (GRCh38, 1-based): chr9:312,088, C>A. VCF-style: chr9-312088-C-A. GRCh37 (hg19) VCF-style: chr9-312088-C-A.
Other names: p.Asp221Glu; c.459C>A, p.Asp153Glu (NM_001190458.2, NM_001193536.2); short protein forms D221E, D153E.
Identifiers: ClinVar variation 366546 (VCV000366546.64), dbSNP rs139391329, ClinGen allele CA4957358.

ClinVar aggregate classification (germline): Conflicting classifications of pathogenicity. Review status: criteria provided, conflicting classifications (1 of 4 stars). 9 submissions from 9 submitters: Uncertain significance (1); Benign (2); Likely benign (4). 2 of the submissions do not count toward it. Last evaluated 2026-08-01.

Conditions:
Intellectual disability. Also called: Intellectual functioning disability; intellectual disabilities; Intellectual developmental disorder. Identifiers: MedGen C3714756, MeSH D008607, MONDO:0001071, HP:0001249.
Combined immunodeficiency due to DOCK8 deficiency (HIES2). Also called: Hyper-IgE recurrent infection syndrome, autosomal recessive; HYPER-IgE SYNDROME 2, AUTOSOMAL RECESSIVE, WITH RECURRENT INFECTIONS; HYPER-IgE RECURRENT INFECTION SYNDROME 2, AUTOSOMAL RECESSIVE; DOCK8 Deficiency; HIES autosomal recessive. Identifiers: Orphanet 217390, MedGen C4722305, MONDO:0009478, OMIM 243700.
DOCK8-related disorder. Also called: DOCK8-related condition.

Allele frequency attached by ClinVar (database versions not stated): 1000 Genomes Project 0.00060; 1000 Genomes Project 30x 0.00094; TOPMed 0.00153; gnomAD 0.00171 and 0.00173; ExAC 0.00173; gnomAD exomes 0.00175 and 0.00247; ESP Exome Variant Server 0.00238.
gnomAD v4.1: 3,799 of 1,614,224 alleles (0.24%); highest among the groups gnomAD compares: Non-Finnish European, 0.28%; 9 homozygotes.

Submissions (9):

CeGaT Center for Human Genetics Tuebingen
Classification: Likely benign. Last evaluated: 2026-08-01. Review status: criteria provided, single submitter. Criteria: CeGaT Center For Human Genetics Tuebingen Variant Classification Criteria Version 2. Collection method: clinical testing. Allele origin: germline. Affected: yes. Observed: 8 variant alleles.
Comment: DOCK8: BP4, BS2

Women's Health and Genetics/Laboratory Corporation of America, LabCorp
Classification: Likely benign. Last evaluated: 2026-04-09. Review status: criteria provided, single submitter. Criteria: LabCorp Variant Classification Summary - May 2015. Collection method: clinical testing. Allele origin: germline.
Comment: Variant summary: DOCK8 c.663C>A (p.Asp221Glu) results in a conservative amino acid change in the encoded protein sequence. Algorithms developed to predict the effect of missense changes on protein structure and function are either unavailable or do not agree on the potential impact of this missense change. The variant allele was found at a frequency of 0.0018 in 251414 control chromosomes, predominantly at a frequency of 0.0026 within the Non-Finnish European subpopulation in the gnomAD database. The observed variant frequency within Non-Finnish European control individuals in the gnomAD database exceeds the estimated maximal expected allele frequency for disease-causing variants in DOCK8. To our knowledge, no occurrence of c.663C>A in individuals affected with DOCK8-related conditions and no experimental evidence demonstrating its impact on protein function have been reported. ClinVar contains an entry for this variant (Variation ID: 366546). Based on the evidence outlined above, the variant was classified as likely benign.

Labcorp Genetics (formerly Invitae), Labcorp
Classification: Benign for Combined immunodeficiency due to DOCK8 deficiency. Last evaluated: 2026-02-02. Review status: criteria provided, single submitter. Criteria: Invitae Variant Classification Sherloc (09022015). Collection method: clinical testing. Allele origin: germline.

Blueprint Genetics
Classification: Likely benign. Last evaluated: 2024-11-26. Review status: criteria provided, single submitter. Criteria: ACMG Guidelines, 2015. Collection method: clinical testing. Allele origin: germline.

Mayo Clinic Laboratories, Mayo Clinic
Classification: Benign. Last evaluated: 2024-09-04. Review status: criteria provided, single submitter. Criteria: ACMG Guidelines, 2015. Collection method: clinical testing. Allele origin: germline. Observed: 3 variant alleles.
Comment: BS1, BS2, BP4

GeneDx
Classification: Likely benign. Last evaluated: 2019-01-10. Review status: criteria provided, single submitter. Criteria: GeneDx Variant Classification Process June 2021. Collection method: clinical testing. Allele origin: germline. Affected: yes.

Illumina Laboratory Services, Illumina
Classification: Uncertain significance for Combined immunodeficiency due to DOCK8 deficiency. Last evaluated: 2018-01-13. Review status: criteria provided, single submitter. Criteria: ICSL Variant Classification Criteria 13 December 2019. Collection method: clinical testing. Allele origin: germline.

PreventionGenetics, part of Exact Sciences
Classification: Likely benign for DOCK8-related condition. Last evaluated: 2022-08-31. Review status: no assertion criteria provided. Collection method: clinical testing. Allele origin: germline. Not counted in ClinVar's aggregate classification.
Comment: This variant is classified as likely benign based on ACMG/AMP sequence variant interpretation guidelines (Richards et al. 2015 PMID: 25741868, with internal and published modifications).

Centre de Biologie Pathologie Génétique, Centre Hospitalier Universitaire de Lille
Classification: Likely benign for Intellectual disability. Last evaluated: 2019-01-01. Review status: no assertion criteria provided. Collection method: clinical testing. Allele origin: inherited. Affected: yes. Not counted in ClinVar's aggregate classification.